The following is an entry in ClinVar:

ClinVar aggregate classification (germline): Uncertain significance (1 of 4 stars; one submission).

gnomAD v4.1: 3 of 1,614,184 alleles (0.00019%); highest among the groups gnomAD compares: Non-Finnish European, 0.00025%; no homozygotes.

Submission:

Labcorp Genetics (formerly Invitae), Labcorp
Classification: Uncertain significance. Last evaluated: 2024-05-06. Review status: criteria provided, single submitter. Criteria: Invitae Variant Classification Sherloc (09022015). Collection method: clinical testing. Allele origin: germline.
Comment: This sequence change replaces leucine, which is neutral and non-polar, with valine, which is neutral and non-polar, at codon 488 of the KANK1 protein (p.Leu488Val). This variant is not present in population databases (gnomAD no frequency). This variant has not been reported in the literature in individuals affected with KANK1-related conditions. Advanced modeling of protein sequence and biophysical properties (such as structural, functional, and spatial information, amino acid conservation, physicochemical variation, residue mobility, and thermodynamic stability) performed at Invitae indicates that this missense variant is expected to disrupt KANK1 protein function with a positive predictive value of 80%. In summary, the available evidence is currently insufficient to determine the role of this variant in disease. Therefore, it has been classified as a Variant of Uncertain Significance.

NM_015158.5(KANK1):c.1462C>G (p.Leu488Val)

Gene: KANK1 (KN motif and ankyrin repeat domains 1; plus strand). Cytogenetic location: 9p24.3.
Variant type: single nucleotide variant.
Coding change: c.1462C>G on transcript NM_015158.5 (MANE Select); coding-DNA position 1462, C replaced by G.
Protein change: p.Leu488Val; replaces leucine 488 with valine.
Molecular consequence: missense variant. On other transcripts: non-coding transcript variant (1).
Genome position (GRCh38, 1-based): chr9:712,228, C>G. VCF-style: chr9-712228-C-G. GRCh37 (hg19) VCF-style: chr9-712228-C-G.
Other names: c.1462C>G, p.Leu488Val (NM_001256876.3, NM_001256877.3, NM_001354331.2 and 2 more transcripts); c.988C>G, p.Leu330Val (NM_001354333.2, NM_001354335.2, NM_001354336.2 and 9 more transcripts); short protein forms L488V, L330V.
Identifiers: ClinVar variation 2701598 (VCV002701598.3), dbSNP rs1826335475, ClinGen allele CA372748271.